The following is an entry in ClinVar:

ClinVar aggregate classification (germline): Benign (1 of 4 stars; one submission).

Allele frequency attached by ClinVar (database versions not stated): 1000 Genomes Project 30x 0.62789; 1000 Genomes Project 0.63119; gnomAD 0.66293 and 0.66313; TOPMed 0.66293.
gnomAD v4.1: 500,664 of 724,936 alleles (69%); highest among the groups gnomAD compares: Non-Finnish European, 72%; 174,290 homozygotes.

Submission:

GeneDx
Classification: Benign. Last evaluated: 2018-06-14. Review status: criteria provided, single submitter. Criteria: GeneDx Variant Classification (06012015). Collection method: clinical testing. Allele origin: germline. Affected: yes.
Comment: This variant is considered likely benign or benign based on one or more of the following criteria: it is a conservative change, it occurs at a poorly conserved position in the protein, it is predicted to be benign by multiple in silico algorithms, and/or has population frequency not consistent with disease.

NM_000426.4(LAMA2):c.7452-156C>T

Gene: LAMA2 (laminin subunit alpha 2; plus strand). Cytogenetic location: 6q22.33.
Variant type: single nucleotide variant.
Coding change: c.7452-156C>T on transcript NM_000426.4 (MANE Select); 156 bases into the intron before coding-DNA position 7452, C replaced by T.
Molecular consequence: intron variant.
Genome position (GRCh38, 1-based): chr6:129,478,537, C>T. VCF-style: chr6-129478537-C-T. GRCh37 (hg19) VCF-style: chr6-129799682-C-T.
Other names: c.7440-156C>T (NM_001079823.2).
Identifiers: ClinVar variation 682932 (VCV000682932.1), dbSNP rs2784895, ClinGen allele CA12207991.